The following is an entry in ClinVar:

NM_018062.4(FANCL):c.96+2T>C

Gene: FANCL (FA complementation group L; minus strand). Cytogenetic location: 2p16.1.
Variant type: single nucleotide variant.
Coding change: c.96+2T>C on transcript NM_018062.4 (MANE Select); the canonical splice donor site of the intron after coding-DNA position 96, T replaced by C.
Molecular consequence: splice donor variant.
Genome position (GRCh38, 1-based): chr2:58,241,216, A>G on the plus strand (T>C on the coding strand, the complement: FANCL is on the minus strand). VCF-style: chr2-58241216-A-G. GRCh37 (hg19) VCF-style: chr2-58468351-A-G.
Other names: c.96+2T>C (NM_001374615.1, NM_001114636.2, NM_001410792.1).
Identifiers: ClinVar variation 2866569 (VCV002866569.3), dbSNP rs2467653249, ClinGen allele CA347035024.
Genomic context (GRCh38, chr2:58,241,216, plus strand): 5'-TTCTCCGCGCAGCTACGCTGCAAGAGGCTCTCTTAGCTAGAAAGCAACCACTGGGCGGGT[A>G]CCTGAGCCGAGATGAATCCCTCATACACGGTTTTCGACCGGTTCTGGGGCAGAAGCAGGG-3'

ClinVar aggregate classification (germline): Likely pathogenic (1 of 4 stars; one submission).

Conditions:
Fanconi anemia (FA). Also called: Fanconi's anemia. Identifiers: Orphanet 84, MedGen C0015625, MeSH D005199, MONDO:0019391.

Submission:

Labcorp Genetics (formerly Invitae), Labcorp
Classification: Likely pathogenic for Fanconi anemia. Last evaluated: 2023-05-21. Review status: criteria provided, single submitter. Criteria: Invitae Variant Classification Sherloc (09022015). Collection method: clinical testing. Allele origin: germline.
Comment: In summary, the currently available evidence indicates that the variant is pathogenic, but additional data are needed to prove that conclusively. Therefore, this variant has been classified as Likely Pathogenic. Algorithms developed to predict the effect of sequence changes on RNA splicing suggest that this variant may disrupt the consensus splice site. This variant has not been reported in the literature in individuals affected with FANCL-related conditions. This variant is not present in population databases (gnomAD no frequency). This sequence change affects a donor splice site in intron 1 of the FANCL gene. It is expected to disrupt RNA splicing. Variants that disrupt the donor or acceptor splice site typically lead to a loss of protein function (PMID: 16199547), and loss-of-function variants in FANCL are known to be pathogenic (PMID: 19405097, 23613520).

Literature cited by the submitters: PubMed 16199547; PubMed 19405097; PubMed 23613520.